The following is an entry in ClinVar:

NM_183381.3(RNF13):c.601T>C (p.Phe201Leu)

Gene: RNF13 (ring finger protein 13; plus strand). Cytogenetic location: 3q25.1.
Variant type: single nucleotide variant.
Coding change: c.601T>C on transcript NM_183381.3 (MANE Select); coding-DNA position 601, T replaced by C.
Protein change: p.Phe201Leu; replaces phenylalanine 201 with leucine.
Molecular consequence: missense variant. On other transcripts: non-coding transcript variant (1).
Genome position (GRCh38, 1-based): chr3:149,912,078, T>C. VCF-style: chr3-149912078-T-C. GRCh37 (hg19) VCF-style: chr3-149629865-T-C.
Other names: c.601T>C, p.Phe201Leu (NM_001378286.1, NM_007282.4, NM_001378285.1); c.244T>C, p.Phe82Leu (NM_001378287.1, NM_001378288.1, NM_001378289.1 and 2 more transcripts); c.208T>C, p.Phe70Leu (NM_001378291.1); short protein forms F201L, F82L, F70L.
Identifiers: ClinVar variation 3005510 (VCV003005510.21), dbSNP rs751728141, ClinGen allele CA2663033.

ClinVar aggregate classification (germline): Conflicting classifications of pathogenicity. Review status: criteria provided, conflicting classifications (1 of 4 stars). 2 submissions from 2 submitters: Uncertain significance (1); Likely benign (1). Last evaluated 2024-09-25.

Allele frequency attached by ClinVar (database versions not stated): ExAC 0.00001; gnomAD 0.00001; gnomAD exomes 0.00001; TOPMed 0.00002.
gnomAD v4.1: 9 of 1,462,632 alleles (0.00062%); highest among the groups gnomAD compares: Non-Finnish European, 0.00086%; no homozygotes.

Submissions (2):

Labcorp Genetics (formerly Invitae), Labcorp
Classification: Uncertain significance. Last evaluated: 2024-09-25. Review status: criteria provided, single submitter. Criteria: Invitae Variant Classification Sherloc (09022015). Collection method: clinical testing. Allele origin: germline.
Comment: This sequence change replaces phenylalanine, which is neutral and non-polar, with leucine, which is neutral and non-polar, at codon 201 of the RNF13 protein (p.Phe201Leu). This variant is present in population databases (rs751728141, gnomAD 0.002%). This variant has not been reported in the literature in individuals affected with RNF13-related conditions. Invitae Evidence Modeling of protein sequence and biophysical properties (such as structural, functional, and spatial information, amino acid conservation, physicochemical variation, residue mobility, and thermodynamic stability) indicates that this missense variant is not expected to disrupt RNF13 protein function with a negative predictive value of 80%. In summary, the available evidence is currently insufficient to determine the role of this variant in disease. Therefore, it has been classified as a Variant of Uncertain Significance.

CeGaT Center for Human Genetics Tuebingen
Classification: Likely benign. Last evaluated: 2024-07-01. Review status: criteria provided, single submitter. Criteria: CeGaT Center For Human Genetics Tuebingen Variant Classification Criteria Version 2. Collection method: clinical testing. Allele origin: germline. Affected: yes. Observed: 1 variant allele.
Comment: RNF13: BS2